The following is an entry in ClinVar:

ClinVar aggregate classification (germline): Pathogenic (1 of 4 stars; one submission).

Conditions:
Bernard Soulier syndrome (BSS). Also called: GLYCOPROTEIN Ib, PLATELET, DEFICIENCY OF; PLATELET GLYCOPROTEIN Ib DEFICIENCY; VON WILLEBRAND FACTOR RECEPTOR DEFICIENCY; Giant platelet syndrome; Hemorrhagiparous thrombocytic dystrophy; Giant platelet disease. Identifiers: Orphanet 274, MedGen C0005129, MeSH D001606, MONDO:0009276, OMIM 231200.

Submission:

ISTH-SSC Genomics in Thrombosis and Hemostasis, KU Leuven, Center for Molecular and Vascular Biology
Classification: Pathogenic for Bernard Soulier syndrome. Review status: criteria provided, single submitter. Criteria: ACMG Guidelines, 2015. Collection method: clinical testing. Allele origin: germline. Affected: yes. Observed: 1 homozygote.
Comment: Submitted to the GoldVariant database by Dr Marie-Christine Morel-Kopp; Northern Blood Research Centre, Sydney, Australia

NM_000173.7(GP1BA):c.1408del (p.Ser470fs)

Gene: GP1BA (glycoprotein Ib platelet subunit alpha; plus strand). Cytogenetic location: 17p13.2.
Variant type: Deletion.
Coding change: c.1408del on transcript NM_000173.7 (MANE Select); coding-DNA position 1408, one base deleted (A; older notation c.1408delA).
Protein change: p.Ser470fs; shifts the reading frame from serine 470.
Molecular consequence: frameshift variant.
Genome position (GRCh38, 1-based): chr17:4,934,012, A deleted; the last of 2 consecutive A bases (chr17:4,934,011-4,934,012); deleting either gives the same sequence. VCF-style (leftmost placement, unchanged base first): chr17-4934010-CA-C. GRCh37 (hg19) VCF-style: chr17-4837305-CA-C.
Other names: c.1407delA (NM_000173.7); short protein forms S470fs.
Identifiers: ClinVar variation 2572131 (VCV002572131.1), dbSNP rs2507594247, ClinGen allele CA2580613962.